The following is an entry in ClinVar:

NM_004006.3(DMD):c.8371A>T (p.Lys2791Ter)

Gene: DMD (dystrophin; minus strand). Cytogenetic location: Xp21.1.
Variant type: single nucleotide variant.
Coding change: c.8371A>T on transcript NM_004006.3 (MANE Select); coding-DNA position 8371, A replaced by T.
Protein change: p.Lys2791Ter; replaces lysine 2791 with a stop codon.
Molecular consequence: nonsense.
Genome position (GRCh38, 1-based): chrX:31,507,300, T>A on the plus strand (A>T on the coding strand, the complement: DMD is on the minus strand). VCF-style: chrX-31507300-T-A. GRCh37 (hg19) VCF-style: chrX-31525417-T-A.
Other names: c.8347A>T, p.Lys2783Ter (NM_000109.4); c.8359A>T, p.Lys2787Ter (NM_004009.3); c.8002A>T, p.Lys2668Ter (NM_004010.3); c.4348A>T, p.Lys1450Ter (NM_004011.4); c.4339A>T, p.Lys1447Ter (NM_004012.4); c.991A>T, p.Lys331Ter (NM_004013.3, NM_004020.4, NM_004021.3 and 2 more transcripts); c.184A>T, p.Lys62Ter (NM_004014.3); short protein forms K1447*, K1450*, K2668*, K2783*, K2787*, K2791*, K331*, K62*.
Identifiers: ClinVar variation 1322737 (VCV001322737.3), dbSNP rs2147175318, ClinGen allele CA412656108.

ClinVar aggregate classification (germline): Likely pathogenic (1 of 4 stars; one submission).

Submission:

GeneDx
Classification: Likely pathogenic. Last evaluated: 2019-01-07. Review status: criteria provided, single submitter. Criteria: GeneDx Variant Classification Process June 2021. Collection method: clinical testing. Allele origin: germline. Affected: yes.
Comment: Based on the understanding of this genetic alteration, it may be amenable to nonsense read-through therapy that is currently available or in clinical trial; This variant is associated with the following publications: (PMID: 26886021, 25525159, 19937601, 16049303)